The following is an entry in ClinVar:

NM_001379029.1(CERT1):c.554G>T (p.Cys185Phe)

Gene: CERT1 (ceramide transporter 1; minus strand). Cytogenetic location: 5q13.3.
Variant type: single nucleotide variant.
Coding change: c.554G>T on transcript NM_001379029.1 (MANE Select); coding-DNA position 554, G replaced by T.
Protein change: p.Cys185Phe; replaces cysteine 185 with phenylalanine.
Molecular consequence: missense variant.
Genome position (GRCh38, 1-based): chr5:75,425,402, C>A on the plus strand (G>T on the coding strand, the complement: CERT1 is on the minus strand). VCF-style: chr5-75425402-C-A. GRCh37 (hg19) VCF-style: chr5-74721227-C-A.
Other names: c.938G>T, p.Cys313Phe (NM_001130105.1); c.554G>T, p.Cys185Phe (NM_001379002.1, NM_001379003.1, NM_001379004.1 and 2 more transcripts); short protein forms C185F, C313F.
Identifiers: ClinVar variation 2506252 (VCV002506252.3), dbSNP rs543599778, ClinGen allele CA3309251.

ClinVar aggregate classification (germline): Uncertain significance. Review status: criteria provided, multiple submitters, no conflicts (2 of 4 stars). 2 submissions from 2 submitters: Uncertain significance (2). Last evaluated 2025-02-06.

Conditions:
Inborn genetic diseases. Identifiers: MedGen C0950123, MeSH D030342.

Allele frequency attached by ClinVar (database versions not stated): gnomAD exomes below 0.00001; ExAC 0.00001; gnomAD 0.00001; TOPMed 0.00001.
gnomAD v4.1: 5 of 1,613,918 alleles (0.00031%); highest among the groups gnomAD compares: Non-Finnish European, 0.00034%; no homozygotes.

Submissions (2):

Ambry Genetics
Classification: Uncertain significance for Inborn genetic diseases. Last evaluated: 2025-02-06. Review status: criteria provided, single submitter. Criteria: Ambry Variant Classification Scheme 2023. Collection method: clinical testing. Allele origin: germline.

Women's Health and Genetics/Laboratory Corporation of America, LabCorp
Classification: Uncertain significance. Last evaluated: 2023-05-09. Review status: criteria provided, single submitter. Criteria: LabCorp Variant Classification Summary - May 2015. Collection method: clinical testing. Allele origin: germline.
Comment: Variant summary: COL4A3BP c.938G>T (p.Cys313Phe) results in a non-conservative amino acid change in the encoded protein sequence. Four of five in-silico tools predict a damaging effect of the variant on protein function. The variant allele was found at a frequency of 8e-06 in 251246 control chromosomes (gnomAD). The available data on variant occurrences in the general population are insufficient to allow any conclusion about variant significance. To our knowledge, no occurrence of c.938G>T in individuals affected with Intellectual Disability, Autosomal Dominant 34 and no experimental evidence demonstrating its impact on protein function have been reported. No clinical diagnostic laboratories have submitted clinical-significance assessments for this variant to ClinVar after 2014. Based on the evidence outlined above, the variant was classified as uncertain significance.